The following is an entry in ClinVar:

ClinVar aggregate classification (germline): Uncertain significance. Review status: criteria provided, multiple submitters, no conflicts (2 of 4 stars). 2 submissions from 2 submitters: Uncertain significance (2). Last evaluated 2024-03-18.

Conditions:
Neuropathy, hereditary sensory and autonomic, type 2A (HSAN2A). Also called: MORVAN DISEASE; NEUROPATHY, CONGENITAL SENSORY; NEUROPATHY, HEREDITARY SENSORY RADICULAR, AUTOSOMAL RECESSIVE; NEUROPATHY, HEREDITARY SENSORY, TYPE IIA; NEUROPATHY, PROGRESSIVE SENSORY, OF CHILDREN; WNK1-Related HSAN2 (HSAN2A). Identifiers: Orphanet 970, MedGen C2752089, MONDO:0024309, OMIM 201300.
Pseudohypoaldosteronism type 2C (PHA2C). Also called: Pseudohypoaldosteronism Type IIC. Identifiers: Orphanet 757, Orphanet 88940, MedGen C1840391, MONDO:0013778, OMIM 614492.

Allele frequency attached by ClinVar (database versions not stated): gnomAD exomes below 0.00001; ExAC 0.00001.
gnomAD v4.1: 6 of 1,614,036 alleles (0.00037%); highest among the groups gnomAD compares: Non-Finnish European, 0.00042%; no homozygotes.

Submissions (2):

Fulgent Genetics
Classification: Uncertain significance for Neuropathy, hereditary sensory and autonomic, type 2A; Pseudohypoaldosteronism type 2C. Last evaluated: 2024-03-18. Review status: criteria provided, single submitter. Criteria: ACMG Guidelines, 2015. Collection method: clinical testing. Allele origin: germline.

Labcorp Genetics (formerly Invitae), Labcorp
Classification: Uncertain significance for Neuropathy, hereditary sensory and autonomic, type 2A; Pseudohypoaldosteronism type 2C. Last evaluated: 2022-03-08. Review status: criteria provided, single submitter. Criteria: Invitae Variant Classification Sherloc (09022015). Collection method: clinical testing. Allele origin: germline.
Comment: This sequence change replaces serine, which is neutral and polar, with glycine, which is neutral and non-polar, at codon 1764 of the WNK1 protein (p.Ser1764Gly). In summary, the available evidence is currently insufficient to determine the role of this variant in disease. Therefore, it has been classified as a Variant of Uncertain Significance. Advanced modeling of protein sequence and biophysical properties (such as structural, functional, and spatial information, amino acid conservation, physicochemical variation, residue mobility, and thermodynamic stability) performed at Invitae indicates that this missense variant is not expected to disrupt WNK1 protein function. ClinVar contains an entry for this variant (Variation ID: 1064127). This variant has not been reported in the literature in individuals affected with WNK1-related conditions. The frequency data for this variant in the population databases is considered unreliable, as metrics indicate poor data quality at this position in the gnomAD database.

NM_018979.4(WNK1):c.4534A>G (p.Ser1512Gly)

Gene: WNK1 (WNK lysine deficient protein kinase 1; plus strand). Cytogenetic location: 12p13.33.
Variant type: single nucleotide variant.
Coding change: c.4534A>G on transcript NM_018979.4 (MANE Select); coding-DNA position 4534, A replaced by G.
Protein change: p.Ser1512Gly; replaces serine 1512 with glycine.
Molecular consequence: missense variant.
Genome position (GRCh38, 1-based): chr12:885,338, A>G. VCF-style: chr12-885338-A-G. GRCh37 (hg19) VCF-style: chr12-994504-A-G.
Other names: c.5314A>G, p.Ser1772Gly (NM_001184985.2); c.3793A>G, p.Ser1265Gly (NM_014823.3); c.5290A>G, p.Ser1764Gly (NM_213655.5); short protein forms S1265G, S1512G, S1764G, S1772G.
Identifiers: ClinVar variation 1064127 (VCV001064127.10), dbSNP rs746802809, ClinGen allele CA6382991.